The following is an entry in ClinVar:

ClinVar aggregate classification (germline): Uncertain significance (1 of 4 stars; one submission).

Conditions:
Long chain 3-hydroxyacyl-CoA dehydrogenase deficiency. Also called: Deficiency of long-chain 3-hydroxyacyl-coenzyme A dehydrogenase; LCHAD Deficiency. Identifiers: Orphanet 5, MedGen C3711645, MONDO:0012173, OMIM 609016.
Mitochondrial trifunctional protein deficiency. Identifiers: Orphanet 746, MedGen C1969443, MONDO:0012172.

Submission:

Labcorp Genetics (formerly Invitae), Labcorp
Classification: Uncertain significance for Mitochondrial trifunctional protein deficiency; Long chain 3-hydroxyacyl-CoA dehydrogenase deficiency. Last evaluated: 2022-01-13. Review status: criteria provided, single submitter. Criteria: Invitae Variant Classification Sherloc (09022015). Collection method: clinical testing. Allele origin: germline.
Comment: In summary, the available evidence is currently insufficient to determine the role of this variant in disease. Therefore, it has been classified as a Variant of Uncertain Significance. Variants that disrupt the consensus splice site are a relatively common cause of aberrant splicing (PMID: 17576681, 9536098). Algorithms developed to predict the effect of sequence changes on RNA splicing suggest that this variant may disrupt the consensus splice site. Algorithms developed to predict the effect of missense changes on protein structure and function (SIFT, PolyPhen-2, Align-GVGD) all suggest that this variant is likely to be tolerated. This variant has not been reported in the literature in individuals affected with HADHA-related conditions. This variant is not present in population databases (gnomAD no frequency). This sequence change replaces methionine, which is neutral and non-polar, with isoleucine, which is neutral and non-polar, at codon 191 of the HADHA protein (p.Met191Ile). This variant also falls at the last nucleotide of exon 6, which is part of the consensus splice site for this exon.

Literature cited by the submitters: PubMed 17576681; PubMed 9536098.

NM_000182.5(HADHA):c.573G>A (p.Met191Ile)

Gene: HADHA (hydroxyacyl-CoA dehydrogenase trifunctional multienzyme complex subunit alpha; minus strand). Cytogenetic location: 2p23.3.
Variant type: single nucleotide variant.
Coding change: c.573G>A on transcript NM_000182.5 (MANE Select); coding-DNA position 573, G replaced by A.
Protein change: p.Met191Ile; replaces methionine 191 with isoleucine.
Molecular consequence: missense variant.
Genome position (GRCh38, 1-based): chr2:26,232,160, C>T on the plus strand (G>A on the coding strand, the complement: HADHA is on the minus strand). VCF-style: chr2-26232160-C-T. GRCh37 (hg19) VCF-style: chr2-26455028-C-T.
Other names: short protein forms M191I.
Identifiers: ClinVar variation 1493660 (VCV001493660.6), dbSNP rs2147781167, ClinGen allele CA346092679.